The following is an entry in ClinVar:

ClinVar aggregate classification (germline): Benign/Likely benign. Review status: criteria provided, multiple submitters, no conflicts (2 of 4 stars). 4 submissions from 4 submitters: Benign (1); Likely benign (3). Last evaluated 2025-08-13.

Conditions:
Familial melanoma. Also called: Hereditary melanoma; Hereditary cutaneous melanoma. Identifiers: Orphanet 618, MedGen C1512419, MONDO:0018961.
Hereditary cancer-predisposing syndrome. Also called: Hereditary neoplastic syndrome; Tumor predisposition; Neoplastic Syndromes, Hereditary; Hereditary Cancer Syndrome. Identifiers: Orphanet 140162, MedGen C0027672, MeSH D009386, MONDO:0015356.
Melanoma-pancreatic cancer syndrome. Identifiers: Orphanet 404560, MedGen C1838547, MONDO:0011713, OMIM 606719. Disease mechanism: loss of function.

gnomAD v4.1: 3 of 1,606,690 alleles (0.00019%); highest among the groups gnomAD compares: African/African-American, 0.004%; no homozygotes.

Submissions (4):

Myriad Genetics, Inc.
Classification: Benign for Melanoma-pancreatic cancer syndrome. Last evaluated: 2025-08-13. Review status: criteria provided, single submitter. Criteria: Myriad Autosomal Dominant, Autosomal Recessive and X-Linked Classification Criteria (2023). Collection method: clinical testing. Allele origin: unknown.
Comment: This variant is considered benign. This variant is a silent/synonymous amino acid change and it is not expected to impact splicing.

Labcorp Genetics (formerly Invitae), Labcorp
Classification: Likely benign for Familial melanoma. Last evaluated: 2025-06-29. Review status: criteria provided, single submitter. Criteria: Invitae Variant Classification Sherloc (09022015). Collection method: clinical testing. Allele origin: germline.

Sema4
Classification: Likely benign for Hereditary cancer-predisposing syndrome. Last evaluated: 2021-12-22. Review status: criteria provided, single submitter. Criteria: Sema4 Curation Guidelines. Collection method: curation. Allele origin: germline.

Ambry Genetics
Classification: Likely benign for Hereditary cancer-predisposing syndrome. Last evaluated: 2021-04-18. Review status: criteria provided, single submitter. Criteria: Ambry Variant Classification Scheme 2023. Collection method: clinical testing. Allele origin: germline.

NM_000077.5(CDKN2A):c.51C>G (p.Ala17=)

Gene: CDKN2A (cyclin dependent kinase inhibitor 2A; minus strand). Cytogenetic location: 9p21.3.
Variant type: single nucleotide variant.
Coding change: c.51C>G on transcript NM_000077.5; coding-DNA position 51, C replaced by G.
Protein change: p.Ala17=; no amino-acid change (alanine 17 retained).
Molecular consequence: synonymous variant (on NM_000077.6). On other transcripts: intron variant (2).
Genome position (GRCh38, 1-based): chr9:21,974,777, G>C on the plus strand (C>G on the coding strand, the complement: CDKN2A is on the minus strand). VCF-style: chr9-21974777-G-C. GRCh37 (hg19) VCF-style: chr9-21974776-G-C.
Other names: c.51C>G, p.Ala17= (NM_000077.6, NM_001195132.2, NM_058197.5); c.-3-3569C>G (NM_001363763.2); c.194-3569C>G (NM_058195.4).
Identifiers: ClinVar variation 532299 (VCV000532299.15), dbSNP rs764362225, ClinGen allele CA464100188.